The following is an entry in ClinVar:

NM_001999.4(FBN2):c.1183T>C (p.Cys395Arg)

Gene: FBN2 (fibrillin 2; minus strand). Cytogenetic location: 5q23.3.
Variant type: single nucleotide variant.
Coding change: c.1183T>C on transcript NM_001999.4 (MANE Select); coding-DNA position 1183, T replaced by C.
Protein change: p.Cys395Arg; replaces cysteine 395 with arginine.
Molecular consequence: missense variant.
Genome position (GRCh38, 1-based): chr5:128,395,170, A>G on the plus strand (T>C on the coding strand, the complement: FBN2 is on the minus strand). VCF-style: chr5-128395170-A-G. GRCh37 (hg19) VCF-style: chr5-127730863-A-G.
Other names: short protein forms C395R.
Identifiers: ClinVar variation 4879851 (VCV004879851.1).

ClinVar aggregate classification (germline): Uncertain significance (1 of 4 stars; one submission).

Conditions:
Congenital contractural arachnodactyly (CCA). Also called: Beals-Hecht syndrome; BEALS SYNDROME; Arthrogryposis, distal, type 9. Identifiers: Orphanet 115, MedGen C0220668, MONDO:0007363, OMIM 121050.

Submission:

MVZ Medizinische Genetik Mainz
Classification: Uncertain significance for Congenital contractural arachnodactyly. Last evaluated: 2026-06-25. Review status: criteria provided, single submitter. Criteria: UK Practice Guidelines For Variant Classification V4 01 2020. Collection method: clinical testing. Allele origin: germline. Inheritance: Autosomal dominant inheritance. Affected: yes. Observed: 1 variant allele.
Comment: ACMG Criteria: PP3_MOD,PM2_SUP,BS4_SUP